The following is an entry in ClinVar:

ClinVar aggregate classification (germline): Pathogenic (1 of 4 stars; one submission).

Submission:

Labcorp Genetics (formerly Invitae), Labcorp
Classification: Pathogenic. Last evaluated: 2023-12-21. Review status: criteria provided, single submitter. Criteria: Invitae Variant Classification Sherloc (09022015). Collection method: clinical testing. Allele origin: germline.
Comment: This sequence change creates a premature translational stop signal (p.Cys1871*) in the CCDC88C gene. While this is not anticipated to result in nonsense mediated decay, it is expected to disrupt the last 158 amino acid(s) of the CCDC88C protein. This variant is not present in population databases (gnomAD no frequency). This variant has not been reported in the literature in individuals affected with CCDC88C-related conditions. This variant disrupts a region of the CCDC88C protein in which other variant(s) (p.Glu1949Glyfs*26) have been determined to be pathogenic (PMID: 23042809). This suggests that this is a clinically significant region of the protein, and that variants that disrupt it are likely to be disease-causing. For these reasons, this variant has been classified as Pathogenic.

Literature cited by the submitters: PubMed 23042809.

NM_001080414.4(CCDC88C):c.5613T>A (p.Cys1871Ter)

Gene: CCDC88C (coiled-coil and HOOK domain protein 88C; minus strand). Cytogenetic location: 14q32.11.
Variant type: single nucleotide variant.
Coding change: c.5613T>A on transcript NM_001080414.4 (MANE Select); coding-DNA position 5613, T replaced by A.
Protein change: p.Cys1871Ter; replaces cysteine 1871 with a stop codon.
Molecular consequence: nonsense.
Genome position (GRCh38, 1-based): chr14:91,273,099, A>T on the plus strand (T>A on the coding strand, the complement: CCDC88C is on the minus strand). VCF-style: chr14-91273099-A-T. GRCh37 (hg19) VCF-style: chr14-91739443-A-T.
Other names: short protein forms C1871*.
Identifiers: ClinVar variation 2698849 (VCV002698849.3), dbSNP rs2544238989, ClinGen allele CA390609275.